The following is an entry in ClinVar:

ClinVar aggregate classification (germline): Uncertain significance (1 of 4 stars; one submission).

Conditions:
Hereditary cancer-predisposing syndrome. Also called: Neoplastic Syndromes, Hereditary; Hereditary Cancer Syndrome; Hereditary neoplastic syndrome; Tumor predisposition. Identifiers: Orphanet 140162, MedGen C0027672, MeSH D009386, MONDO:0015356.

Submission:

Ambry Genetics
Classification: Uncertain significance for Hereditary cancer-predisposing syndrome. Last evaluated: 2026-04-15. Review status: criteria provided, single submitter. Criteria: Ambry Variant Classification Scheme 2023. Collection method: clinical testing. Allele origin: germline.
Comment: The p.L13F variant (also known as c.37C>T), located in coding exon 1 of the FLCN gene, results from a C to T substitution at nucleotide position 37. The leucine at codon 13 is replaced by phenylalanine, an amino acid with highly similar properties. This amino acid position is highly conserved in available vertebrate species. In addition, this alteration is predicted to be deleterious by in silico analysis. Based on the available evidence, the clinical significance of this variant remains unclear.

NM_144997.7(FLCN):c.37C>T (p.Leu13Phe)

Gene: FLCN (folliculin; minus strand). Cytogenetic location: 17p11.2.
Variant type: single nucleotide variant.
Coding change: c.37C>T on transcript NM_144997.7 (MANE Select); coding-DNA position 37, C replaced by T.
Protein change: p.Leu13Phe; replaces leucine 13 with phenylalanine.
Molecular consequence: missense variant.
Genome position (GRCh38, 1-based): chr17:17,228,101, G>A on the plus strand (C>T on the coding strand, the complement: FLCN is on the minus strand). VCF-style: chr17-17228101-G-A. GRCh37 (hg19) VCF-style: chr17-17131415-G-A.
Other names: c.37C>T, p.Leu13Phe (NM_001353229.2, NM_001353230.2, NM_001353231.2 and 1 more transcripts); short protein forms L13F.
Identifiers: ClinVar variation 4871379 (VCV004871379.1).